The following is an entry in ClinVar:

NM_175914.5(HNF4A):c.*906A>C

Gene: HNF4A (hepatocyte nuclear factor 4 alpha; plus strand). Cytogenetic location: 20q13.12.
Variant type: single nucleotide variant.
Coding change: c.*906A>C on transcript NM_175914.5 (MANE Select); 906 bases downstream of the stop codon, A replaced by C.
Molecular consequence: 3 prime UTR variant.
Genome position (GRCh38, 1-based): chr20:44,430,571, A>C. VCF-style: chr20-44430571-A-C. GRCh37 (hg19) VCF-style: chr20-43059211-A-C.
Other names: c.*906A>C (NM_000457.6, NM_001030003.3, NM_001258355.2 and 3 more transcripts).
Identifiers: ClinVar variation 338448 (VCV000338448.9), dbSNP rs3212210, ClinGen allele CA10643891.
Genomic context (GRCh38, chr20:44,430,571, plus strand): 5'-ATTCTGGCTGGTAGAGCAGGTGAGATGGGACATTCCAAAGAACAGCCTGAGCCAAGGCCT[A>C]GTGGTAGTAAGAATCTAGCAAGAATTGAGGAAGAATGGTGTGGGAGAGGGATGATGAAGA-3'

ClinVar aggregate classification (germline): Benign. Review status: criteria provided, multiple submitters, no conflicts (2 of 4 stars). 5 submissions from 4 submitters: Benign (5). Last evaluated 2021-05-12.

Conditions:
Familial hyperinsulinism. Also called: Congenital hyperinsulinism. Identifiers: Orphanet 276525, MedGen C3888018, MONDO:0017182. Disease mechanism: loss of function.
Maturity-onset diabetes of the young type 1. Also called: MILD JUVENILE DIABETES MELLITUS; MODY, type I; MODY type 1; Diabetes mellitus MODY type 1; MODY HNF4A related; HNF4A-Related Maturity-Onset Diabetes of the Young Type 1. Identifiers: Orphanet 552, MedGen C1852093, MONDO:0007452, OMIM 125850. Disease mechanism: loss of function.
Maturity-onset diabetes of the young (MODY). Also called: Maturity onset diabetes mellitus in young. Identifiers: Orphanet 552, MedGen C0342276, MONDO:0018911, HP:0004904.

Allele frequency attached by ClinVar (database versions not stated): 1000 Genomes Project 0.57129; 1000 Genomes Project 30x 0.57245.
gnomAD v4.1: 96,336 of 152,414 alleles (63%); highest among the groups gnomAD compares: Middle Eastern, 74%; 31,049 homozygotes.

Submissions (5):

GeneDx
Classification: Benign. Last evaluated: 2021-05-12. Review status: criteria provided, single submitter. Criteria: GeneDx Variant Classification Process June 2021. Collection method: clinical testing. Allele origin: germline. Affected: yes.

Illumina Laboratory Services, Illumina
Classification: Benign for Maturity-onset diabetes of the young type 1. Last evaluated: 2018-01-12. Review status: criteria provided, single submitter. Criteria: ICSL Variant Classification Criteria 13 December 2019. Collection method: clinical testing. Allele origin: germline.
Comment: This variant was observed in the ICSL laboratory as part of a predisposition screen in an ostensibly healthy population. It had not been previously curated by ICSL or reported in the Human Gene Mutation Database (HGMD: prior to June 1st, 2018), and was therefore a candidate for classification through an automated scoring system. Utilizing variant allele frequency, disease prevalence and penetrance estimates, and inheritance mode, an automated score was calculated to assess if this variant is too frequent to cause the disease. Based on the score and internal cut-off values, a variant classified as benign is not then subjected to further curation. The score for this variant resulted in a classification of benign for this disease.

Illumina Laboratory Services, Illumina
Classification: Benign for Familial hyperinsulinism. Last evaluated: 2018-01-12. Review status: criteria provided, single submitter. Criteria: ICSL Variant Classification Criteria 13 December 2019. Collection method: clinical testing. Allele origin: germline.
Comment: the same text as in the submission from Illumina Laboratory Services, Illumina above.

Breakthrough Genomics
Classification: Benign. Review status: criteria provided, single submitter. Criteria: ACMG Guidelines, 2015. Collection method: not provided. Allele origin: germline. Inheritance: Autosomal dominant inheritance. Affected: yes.

Clinical Genomics, Uppaluri K&H Personalized Medicine Clinic
Classification: Benign for Maturity-onset diabetes of the young. Review status: criteria provided, single submitter. Criteria: K & H Uppaluri Personalized Medicine Clinic Variant Classification & Assertion Criteria_Updated V.1. Collection method: research. Allele origin: unknown. Inheritance: Autosomal dominant inheritance.
Comment: Potent mutations in HNF4A are associated with poor insulin secretion in response to hyperglycemia. Associated with MODY1. Patients initially respond well to sulfonylureas but eventually become insulin dependent. However, more evidence is required to ascertain the role of this particular variant rs3212210 in MODY, yet.

Literature cited by the submitters: DOI 10.1159/000334532 (cited by Clinical Genomics, Uppaluri K&H Personalized Medicine Clinic); PubMed 18268044 (cited by Clinical Genomics, Uppaluri K&H Personalized Medicine Clinic); PubMed 17563455 (cited by Clinical Genomics, Uppaluri K&H Personalized Medicine Clinic); PubMed 32583173 (cited by Clinical Genomics, Uppaluri K&H Personalized Medicine Clinic); PubMed 35052457 (cited by Clinical Genomics, Uppaluri K&H Personalized Medicine Clinic); PubMed 35118593 (cited by Clinical Genomics, Uppaluri K&H Personalized Medicine Clinic).